The following is an entry in ClinVar:

ClinVar aggregate classification (germline): Uncertain significance (1 of 4 stars; one submission).

Allele frequency attached by ClinVar (database versions not stated): gnomAD exomes below 0.00001.
gnomAD v4.1: 1 of 1,613,864 alleles (0.000062%); highest among the groups gnomAD compares: Admixed American, 0.0017%; no homozygotes.

Submission:

Labcorp Genetics (formerly Invitae), Labcorp
Classification: Uncertain significance. Last evaluated: 2022-07-31. Review status: criteria provided, single submitter. Criteria: Invitae Variant Classification Sherloc (09022015). Collection method: clinical testing. Allele origin: germline.
Comment: This sequence change replaces arginine, which is basic and polar, with glycine, which is neutral and non-polar, at codon 202 of the DGUOK protein (p.Arg202Gly). This variant is present in population databases (no rsID available, gnomAD 0.003%). This variant has not been reported in the literature in individuals affected with DGUOK-related conditions. Algorithms developed to predict the effect of missense changes on protein structure and function (SIFT, PolyPhen-2, Align-GVGD) all suggest that this variant is likely to be disruptive. Algorithms developed to predict the effect of sequence changes on RNA splicing suggest that this variant may disrupt the consensus splice site. In summary, the available evidence is currently insufficient to determine the role of this variant in disease. Therefore, it has been classified as a Variant of Uncertain Significance.

NM_080916.3(DGUOK):c.604A>G (p.Arg202Gly)

Gene: DGUOK (deoxyguanosine kinase; plus strand). Cytogenetic location: 2p13.1.
Variant type: single nucleotide variant.
Coding change: c.604A>G on transcript NM_080916.3 (MANE Select); coding-DNA position 604, A replaced by G.
Protein change: p.Arg202Gly; replaces arginine 202 with glycine.
Molecular consequence: missense variant. On other transcripts: non-coding transcript variant (1), intron variant (2).
Genome position (GRCh38, 1-based): chr2:73,957,137, A>G. VCF-style: chr2-73957137-A-G. GRCh37 (hg19) VCF-style: chr2-74184264-A-G.
Other names: c.313A>G, p.Arg105Gly (NM_001318860.2, NM_001318861.2); c.295A>G, p.Arg99Gly (NM_001318862.2, NM_001318863.2); c.444-1009A>G (NM_080918.3); c.426-1009A>G (NM_001318859.2); short protein forms R105G, R202G, R99G.
Identifiers: ClinVar variation 1714625 (VCV001714625.3), dbSNP rs1281428686, ClinGen allele CA347301346.